The following is an entry in ClinVar:

NM_001393504.1(MAST3):c.345C>T (p.Leu115=)

Genes: MAST3 (microtubule associated serine/threonine kinase 3; plus strand), LOC126862876 (BRD4-independent group 4 enhancer GRCh37_chr19:18232970-18234169; plus strand). Cytogenetic location: 19p13.11.
Variant type: single nucleotide variant.
Coding change: c.345C>T on transcript NM_001393504.1 (MANE Select); coding-DNA position 345, C replaced by T.
Protein change: p.Leu115=; no amino-acid change (leucine 115 retained).
Molecular consequence: synonymous variant.
Genome position (GRCh38, 1-based): chr19:18,122,697, C>T. VCF-style: chr19-18122697-C-T. GRCh37 (hg19) VCF-style: chr19-18233507-C-T.
Other names: c.369C>T, p.Leu123= (NM_001393501.1); c.348C>T, p.Leu116= (NM_001393502.1); c.345C>T, p.Leu115= (NM_001393503.1); c.342C>T, p.Leu114= (NM_001393505.1); c.297C>T, p.Leu99= (NM_001393506.1, NM_001393513.1); c.324C>T, p.Leu108= (NM_001393507.1); c.279C>T, p.Leu93= (NM_001393508.1, NM_001393516.1); c.276C>T, p.Leu92= (NM_001393509.1, NM_001393510.1, NM_001393512.1 and 2 more transcripts); and 4 more.
Identifiers: ClinVar variation 4873868 (VCV004873868.2).

ClinVar aggregate classification (germline): Likely benign (1 of 4 stars; one submission).

gnomAD v4.1: 20 of 1,613,426 alleles (0.0012%); highest among the groups gnomAD compares: East Asian, 0.013%; no homozygotes.

Submission:

CeGaT Center for Human Genetics Tuebingen
Classification: Likely benign. Last evaluated: 2026-04-01. Review status: criteria provided, single submitter. Criteria: CeGaT Center For Human Genetics Tuebingen Variant Classification Criteria Version 2. Collection method: clinical testing. Allele origin: germline. Affected: yes. Observed: 1 variant allele.
Comment: MAST3: BP4, BP7